The following is an entry in ClinVar:

ClinVar aggregate classification (germline): Likely benign (1 of 4 stars; one submission).

Conditions:
PCLO-related disorder. Also called: PCLO-related condition.

gnomAD v4.1: 1,268 of 1,607,250 alleles (0.079%); highest among the groups gnomAD compares: Non-Finnish European, 0.1%; 2 homozygotes.

Submission:

PreventionGenetics, part of Exact Sciences
Classification: Likely benign for PCLO-related condition. Last evaluated: 2025-03-13. Review status: criteria provided, single submitter. Criteria: ACMG Guidelines, 2015. Collection method: clinical testing. Allele origin: germline.
Comment: This variant is classified as likely benign based on ACMG/AMP sequence variant interpretation guidelines (Richards et al. 2015 PMID: 25741868, with internal and published modifications).

NM_033026.6(PCLO):c.*6C>T

Gene: PCLO (piccolo presynaptic cytomatrix protein; minus strand). Cytogenetic location: 7q21.11.
Variant type: single nucleotide variant.
Coding change: c.*6C>T on transcript NM_033026.6 (MANE Select); 6 bases downstream of the stop codon, C replaced by T.
Molecular consequence: 3 prime UTR variant.
Genome position (GRCh38, 1-based): chr7:82,758,569, G>A on the plus strand (C>T on the coding strand, the complement: PCLO is on the minus strand). VCF-style: chr7-82758569-G-A. GRCh37 (hg19) VCF-style: chr7-82387885-G-A.
Identifiers: ClinVar variation 4977974 (VCV004977974.1).